The following is an entry in ClinVar:

ClinVar aggregate classification (germline): Uncertain significance (1 of 4 stars; one submission).

Submission:

Labcorp Genetics (formerly Invitae), Labcorp
Classification: Uncertain significance. Last evaluated: 2022-07-01. Review status: criteria provided, single submitter. Criteria: Invitae Variant Classification Sherloc (09022015). Collection method: clinical testing. Allele origin: germline.
Comment: This variant is not present in population databases (gnomAD no frequency). In summary, the available evidence is currently insufficient to determine the role of this variant in disease. Therefore, it has been classified as a Variant of Uncertain Significance. Algorithms developed to predict the effect of missense changes on protein structure and function (SIFT, PolyPhen-2, Align-GVGD) all suggest that this variant is likely to be disruptive. This variant has not been reported in the literature in individuals affected with OR2W3-related conditions. This sequence change replaces serine, which is neutral and polar, with phenylalanine, which is neutral and non-polar, at codon 160 of the OR2W3 protein (p.Ser160Phe).

NM_001001957.2(OR2W3):c.479C>T (p.Ser160Phe)

Gene: OR2W3 (olfactory receptor family 2 subfamily W member 3; plus strand). Cytogenetic location: 1q44.
Variant type: single nucleotide variant.
Coding change: c.479C>T on transcript NM_001001957.2 (MANE Select); coding-DNA position 479, C replaced by T.
Protein change: p.Ser160Phe; replaces serine 160 with phenylalanine.
Molecular consequence: missense variant.
Genome position (GRCh38, 1-based): chr1:247,896,065, C>T. VCF-style: chr1-247896065-C-T. GRCh37 (hg19) VCF-style: chr1-248059367-C-T.
Other names: short protein forms S160F.
Identifiers: ClinVar variation 2066823 (VCV002066823.4), dbSNP rs986202655, ClinGen allele CA345593634.
Genomic context (GRCh38, chr1:247,896,065, plus strand): 5'-TCTGCCGGGGCTTGGTGTCAGTGACCTGGGGCTGTGGGGTGGCCAACTCCTTGGCCATGT[C>T]TCCTGTGACCCTGCGCTTACCCCGCTGTGGGCACCACGAGGTGGACCACTTCCTGCGTGA-3'
Protein context (NP_001001957.2, residues 150-170): GCGVANSLAM[Ser160Phe]PVTLRLPRCG